The following is an entry in ClinVar:

NM_198904.4(GABRG2):c.259+1G>C

Gene: GABRG2 (gamma-aminobutyric acid type A receptor subunit gamma2; plus strand). Cytogenetic location: 5q34.
Variant type: single nucleotide variant.
Coding change: c.259+1G>C on transcript NM_198904.4 (MANE Select); the canonical splice donor site of the intron after coding-DNA position 259, G replaced by C.
Molecular consequence: splice donor variant.
Genome position (GRCh38, 1-based): chr5:162,093,980, G>C. VCF-style: chr5-162093980-G-C. GRCh37 (hg19) VCF-style: chr5-161520986-G-C.
Other names: c.-27+1G>C (NM_001375349.1); c.259+1G>C (NM_001375343.1, NM_001375344.1, NM_001375340.1 and 4 more transcripts); c.-100+1G>C (NM_001375350.1, NM_001375348.1); c.250+1G>C (NM_001375339.1); c.193+1G>C (NM_001375346.1, NM_001375345.1); c.172+1G>C (NM_001375347.1).
Identifiers: ClinVar variation 1066931 (VCV001066931.7), dbSNP rs2113298764, ClinGen allele CA362183162.

ClinVar aggregate classification (germline): Likely pathogenic (1 of 4 stars; one submission).

Conditions:
EPILEPSY, CHILDHOOD ABSENCE, SUSCEPTIBILITY TO, 2 (ECA2). Identifiers: Orphanet 64280, MedGen C1843244, OMIM 607681.
Febrile seizures, familial, 8 (FEB8). Also called: CONVULSIONS, FAMILIAL FEBRILE, 8. Identifiers: Orphanet 36387, MedGen C1969810, MONDO:0011891, OMIM 607681.

Submission:

Labcorp Genetics (formerly Invitae), Labcorp
Classification: Likely pathogenic for Febrile seizures, familial, 8; EPILEPSY, CHILDHOOD ABSENCE, SUSCEPTIBILITY TO, 2. Last evaluated: 2020-10-08. Review status: criteria provided, single submitter. Criteria: Invitae Variant Classification Sherloc (09022015). Collection method: clinical testing. Allele origin: germline.
Comment: In summary, the currently available evidence indicates that the variant is pathogenic, but additional data are needed to prove that conclusively. Therefore, this variant has been classified as Likely Pathogenic. Donor and acceptor splice site variants typically lead to a loss of protein function (PMID: 16199547), and loss-of-function variants in GABRG2 are known to be pathogenic (PMID: 22539854, 22750526, 24407264). Algorithms developed to predict the effect of sequence changes on RNA splicing suggest that this variant may disrupt the consensus splice site, but this prediction has not been confirmed by published transcriptional studies. This variant has not been reported in the literature in individuals with GABRG2-related conditions. This variant is not present in population databases (ExAC no frequency). This sequence change affects a donor splice site in intron 2 of the GABRG2 gene. It is expected to disrupt RNA splicing and likely results in an absent or disrupted protein product.

Literature cited by the submitters: PubMed 16199547; PubMed 22539854; PubMed 22750526; PubMed 24407264.